The following is an entry in ClinVar:

ClinVar aggregate classification (germline): Uncertain significance (1 of 4 stars; one submission).

Allele frequency attached by ClinVar (database versions not stated): gnomAD exomes below 0.00001; gnomAD 0.00001.
gnomAD v4.1: 6 of 1,611,020 alleles (0.00037%); highest among the groups gnomAD compares: Admixed American, 0.0017%; no homozygotes.

Submission:

Labcorp Genetics (formerly Invitae), Labcorp
Classification: Uncertain significance. Last evaluated: 2024-06-11. Review status: criteria provided, single submitter. Criteria: Invitae Variant Classification Sherloc (09022015). Collection method: clinical testing. Allele origin: germline.
Comment: This sequence change replaces arginine, which is basic and polar, with histidine, which is basic and polar, at codon 123 of the CLPX protein (p.Arg123His). This variant is not present in population databases (gnomAD no frequency). This variant has not been reported in the literature in individuals affected with CLPX-related conditions. Advanced modeling of protein sequence and biophysical properties (such as structural, functional, and spatial information, amino acid conservation, physicochemical variation, residue mobility, and thermodynamic stability) performed at Invitae indicates that this missense variant is expected to disrupt CLPX protein function with a positive predictive value of 80%. In summary, the available evidence is currently insufficient to determine the role of this variant in disease. Therefore, it has been classified as a Variant of Uncertain Significance.

NM_006660.5(CLPX):c.368G>A (p.Arg123His)

Gene: CLPX (caseinolytic mitochondrial matrix peptidase chaperone subunit X; minus strand). Cytogenetic location: 15q22.31.
Variant type: single nucleotide variant.
Coding change: c.368G>A on transcript NM_006660.5 (MANE Select); coding-DNA position 368, G replaced by A.
Protein change: p.Arg123His; replaces arginine 123 with histidine.
Molecular consequence: missense variant. On other transcripts: non-coding transcript variant (1).
Genome position (GRCh38, 1-based): chr15:65,166,776, C>T on the plus strand (G>A on the coding strand, the complement: CLPX is on the minus strand). VCF-style: chr15-65166776-C-T. GRCh37 (hg19) VCF-style: chr15-65459114-C-T.
Other names: short protein forms R123H.
Identifiers: ClinVar variation 2736223 (VCV002736223.3), dbSNP rs2087920183, ClinGen allele CA392879678.